The following is an entry in ClinVar:

NM_016222.4(DDX41):c.1230+2T>C

Gene: DDX41 (DEAD-box helicase 41; minus strand). Cytogenetic location: 5q35.3.
Variant type: single nucleotide variant.
Coding change: c.1230+2T>C on transcript NM_016222.4 (MANE Select); the canonical splice donor site of the intron after coding-DNA position 1230, T replaced by C.
Molecular consequence: splice donor variant.
Genome position (GRCh38, 1-based): chr5:177,513,351, A>G on the plus strand (T>C on the coding strand, the complement: DDX41 is on the minus strand). VCF-style: chr5-177513351-A-G. GRCh37 (hg19) VCF-style: chr5-176940352-A-G.
Other names: c.852+2T>C (NM_001321830.2, NM_001321732.2).
Identifiers: ClinVar variation 4869674 (VCV004869674.1).
Genomic context (GRCh38, chr5:177,513,351, plus strand): 5'-GGGAGACTTGTCAGATCCAGCCCCCACAGGTGAGAGACCGCCCATCAGGAGCACCTGCCC[A>G]CCTGGATGACATCCAGGCTGGCAGCCCCAGCGCGCCCCACATTGATGGTCACAGGCTTTA-3'

ClinVar aggregate classification (germline): Uncertain significance (1 of 4 stars; one submission).

Conditions:
Inborn genetic diseases. Identifiers: MedGen C0950123, MeSH D030342.

Submission:

Ambry Genetics
Classification: Uncertain significance for Inborn genetic diseases. Last evaluated: 2026-05-12. Review status: criteria provided, single submitter. Criteria: Ambry Variant Classification Scheme 2023. Collection method: clinical testing. Allele origin: germline.
Comment: The c.1230+2T>C intronic variant results from a T to C substitution two nucleotides after coding exon 11 in the DDX41 gene. This nucleotide position is highly conserved in available vertebrate species. In silico splice site analysis predicts that this alteration will weaken the native splice donor site and may result in the creation or strengthening of a novel splice donor site. Variants that disrupt the canonical splice site are expected to cause aberrant splicing, resulting in an abnormal protein or a transcript that is subject to nonsense-mediated mRNA decay; however, +2T>C variants are capable of generating wild-type transcripts in some genomic contexts and should be interpreted with caution (Lin JH et al. Hum Mutat. 2019 10;40:1856-1873). Based on the available evidence, the clinical significance of this variant remains unclear.